The following is an entry in ClinVar:

NM_004006.3(DMD):c.4518+5G>C

Gene: DMD (dystrophin; minus strand). Cytogenetic location: Xp21.1.
Variant type: single nucleotide variant.
Coding change: c.4518+5G>C on transcript NM_004006.3 (MANE Select); 5 bases into the intron after coding-DNA position 4518, G replaced by C.
Molecular consequence: intron variant.
Genome position (GRCh38, 1-based): chrX:32,389,496, C>G on the plus strand (G>C on the coding strand, the complement: DMD is on the minus strand). VCF-style: chrX-32389496-C-G. GRCh37 (hg19) VCF-style: chrX-32407613-C-G.
Other names: c.4494+5G>C (NM_000109.4); c.495+5G>C (NM_004011.4); c.486+5G>C (NM_004012.4); c.4506+5G>C (NM_004009.3); c.4149+5G>C (NM_004010.3).
Identifiers: ClinVar variation 94631 (VCV000094631.11), dbSNP rs398123960, ClinGen allele CA222403.

ClinVar aggregate classification (germline): Uncertain significance. Review status: criteria provided, multiple submitters, no conflicts (2 of 4 stars). 2 submissions from 2 submitters: Uncertain significance (2). Last evaluated 2021-08-22.

Conditions:
Duchenne muscular dystrophy (DMD). Also called: Duchenne Muscular Dystrophy (DMD); MUSCULAR DYSTROPHY, PSEUDOHYPERTROPHIC PROGRESSIVE, DUCHENNE TYPE. Identifiers: Orphanet 98896, MedGen C0013264, MONDO:0010679, OMIM 310200.

Submissions (2):

Labcorp Genetics (formerly Invitae), Labcorp
Classification: Uncertain significance for Duchenne muscular dystrophy. Last evaluated: 2021-08-22. Review status: criteria provided, single submitter. Criteria: Invitae Variant Classification Sherloc (09022015). Collection method: clinical testing. Allele origin: germline.
Comment: This sequence change falls in intron 32 of the DMD gene. It does not directly change the encoded amino acid sequence of the DMD protein. It affects a nucleotide within the consensus splice site of the intron. In summary, the available evidence is currently insufficient to determine the role of this variant in disease. Therefore, it has been classified as a Variant of Uncertain Significance. This variant disrupts the c.4518+5G nucleotide in the DMD gene. Other variant(s) that disrupt this nucleotide have been determined to be pathogenic (PMID: 15979033, 21969337, 23453023, 28859693). This suggests that this nucleotide is clinically significant, and that variants that disrupt this position are likely to be disease-causing. Variants that disrupt the consensus splice site are a relatively common cause of aberrant splicing (PMID: 17576681, 9536098). Algorithms developed to predict the effect of sequence changes on RNA splicing suggest that this variant may disrupt the consensus splice site. ClinVar contains an entry for this variant (Variation ID: 94631). This variant has not been reported in the literature in individuals affected with DMD-related conditions. This variant is not present in population databases (ExAC no frequency).

Eurofins Ntd Llc (ga)
Classification: Uncertain significance. Last evaluated: 2013-09-11. Review status: criteria provided, single submitter. Criteria: EGL Classification Definitions 2015. Collection method: clinical testing. Allele origin: germline. Observed: 2 variant alleles, 2 hemizygotes.

Literature cited by the submitters: PubMed 15979033 (cited by Labcorp Genetics (formerly Invitae), Labcorp); PubMed 21969337 (cited by Labcorp Genetics (formerly Invitae), Labcorp); PubMed 23453023 (cited by Labcorp Genetics (formerly Invitae), Labcorp); PubMed 28859693 (cited by Labcorp Genetics (formerly Invitae), Labcorp); PubMed 17576681 (cited by Labcorp Genetics (formerly Invitae), Labcorp); PubMed 9536098 (cited by Labcorp Genetics (formerly Invitae), Labcorp).